The following is an entry in ClinVar:

ClinVar aggregate classification (germline): Pathogenic. Review status: criteria provided, multiple submitters, no conflicts (2 of 4 stars). 17 submissions from 17 submitters: Pathogenic (15). 2 of the submissions do not count toward it. Last evaluated 2025-11-19.

Conditions:
Infantile cortical hyperostosis. Also called: Caffey Disease; Hyperostosis, Cortical, Congenital; P1PK BLOOD GROUP SYSTEM, P(2) PHENOTYPE. Identifiers: Orphanet 1310, MedGen C0020497, MONDO:0007244, OMIM 114000.
Osteogenesis imperfecta (OI). Identifiers: Orphanet 666, MedGen C0029434, MeSH D010013, MONDO:0019019.
Ehlers-Danlos syndrome, arthrochalasia type. Also called: Ehlers-Danlos syndrome, arthrochalasia type, 1; ARTHROCHALASIS MULTIPLEX CONGENITA; EDS VII, MUTANT PROCOLLAGEN TYPE; EDS VIIA; Ehlers-Danlos syndrome, arthrochalasis type. Identifiers: Orphanet 1899, Orphanet 99875, Orphanet 99876, MedGen C4551623, MONDO:0007525, OMIM 130060.
Combined osteogenesis imperfecta and Ehlers-Danlos syndrome 1. Also called: OIEDS SYNDROME 1. Identifiers: MedGen C5436842, MONDO:0030854, OMIM 619115.
Osteoporosis. Identifiers: MedGen C0029456, MONDO:0005298, OMIM 166710, HP:0000939.
Osteogenesis imperfecta type III (OI3). Also called: Osteogenesis imperfecta type 3; OI type 3; Osteogenesis imperfecta, progressively deforming with normal sclerae; OI type III; Progressively Deforming Osteogenesis Imperfecta. Identifiers: Orphanet 216812, Orphanet 666, MedGen C0268362, MONDO:0009804, OMIM 259420.
Osteogenesis imperfecta, perinatal lethal (OI2). Also called: OSTEOGENESIS IMPERFECTA, TYPE II; OI, TYPE II; OSTEOGENESIS IMPERFECTA CONGENITA; Osteogenesis imperfecta, dominant perinatal lethal; VROLIK TYPE OF OSTEOGENESIS IMPERFECTA; Osteogenesis imperfecta type 2. Identifiers: Orphanet 216804, MedGen C0268358, MONDO:0008147, OMIM 166210.
Osteogenesis imperfecta type I (OI1). Also called: Osteogenesis imperfecta type 1; OI, TYPE I; OSTEOGENESIS IMPERFECTA TARDA; OSTEOGENESIS IMPERFECTA WITH BLUE SCLERAE; Lobstein disease; Classic Non-deforming Osteogenesis Imperfecta with Blue Sclerae. Identifiers: Orphanet 216796, Orphanet 666, MedGen C0023931, MONDO:0008146, OMIM 166200. Disease mechanism: loss of function.
Osteogenesis imperfecta with normal sclerae, dominant form (OI4). Also called: Osteogenesis imperfecta type 4; OSTEOGENESIS IMPERFECTA WITH NORMAL SCLERAE; Osteogenesis Imperfecta Type IV; Common Variable Osteogenesis Imperfecta with Normal Sclerae; OSTEOGENESIS IMPERFECTA, TYPE IV, WITH DENTINOGENESIS IMPERFECTA. Identifiers: Orphanet 216820, Orphanet 666, MedGen C0268363, MONDO:0008148, OMIM 166220.
COL1A1-related disorder. Also called: COL1A1-related condition; COL1A1- related disease.
Abnormality of the skeletal system. Identifiers: MedGen C4021790, HP:0000924.

Submissions 1 to 12 of 17:

Dasa
Classification: Pathogenic. Last evaluated: 2025-11-19. Review status: criteria provided, single submitter. Criteria: DASA Assertion Criteria. Collection method: clinical testing. Allele origin: germline.
Comment: NM_000088.4(COL1A1):c.3076C>T (p.Arg1026*) introduces a premature termination codon predicted to result in loss of normal protein function. Loss-of-function is an established mechanism of disease for this gene. This variant has been reported in individuals with related phenotype (PMID: 15024745). The variant is present at low frequency in population datasets. Based on the available data, this variant is classified as pathogenic.

Labcorp Genetics (formerly Invitae), Labcorp
Classification: Pathogenic for Osteogenesis imperfecta type I. Last evaluated: 2025-10-21. Review status: criteria provided, single submitter. Criteria: Invitae Variant Classification Sherloc (09022015). Collection method: clinical testing. Allele origin: germline.
Comment: This sequence change creates a premature translational stop signal (p.Arg1026*) in the COL1A1 gene. It is expected to result in an absent or disrupted protein product. Loss-of-function variants in COL1A1 are known to be pathogenic (PMID: 7942841, 9295084, 9443882). This variant is not present in population databases (gnomAD no frequency). This premature translational stop signal has been observed in individuals with osteogenesis imperfecta, type 1 (PMID: 11113887, 27044453). ClinVar contains an entry for this variant (Variation ID: 35920). For these reasons, this variant has been classified as Pathogenic.

Clinical Biomedical Laboratory, Shriners Hospital For Children - Canada
Classification: Pathogenic for Osteogenesis imperfecta type I. Last evaluated: 2025-07-16. Review status: criteria provided, single submitter. Criteria: ACMG Guidelines, 2015. Collection method: clinical testing. Allele origin: germline. Affected: yes.
Comment: This variant is predicted to introduce a premature translational stop signal in exon 42 of COL1A1 and is expected to lead to degradation of the affected transcript. Loss-of-function variants in COL1A1 are an established cause of osteogenesis imperfecta (PMID: 27509835). This variant is very rare in the Genome Aggregation Database (v2.1.1). We have observed this variant in the Shriners Hospital for Children Canada variant database in an unrelated individual with a diagnosis of osteogenesis imperfecta.

3billion
Classification: Pathogenic for Osteogenesis imperfecta type I. Last evaluated: 2025-04-10. Review status: criteria provided, single submitter. Criteria: ACMG Guidelines, 2015. Collection method: clinical testing. Allele origin: germline. Affected: yes.

Women's Health and Genetics/Laboratory Corporation of America, LabCorp
Classification: Pathogenic for Osteogenesis imperfecta type I. Last evaluated: 2025-02-25. Review status: criteria provided, single submitter. Criteria: LabCorp Variant Classification Summary - May 2015. Collection method: clinical testing. Allele origin: germline.
Comment: Variant summary: COL1A1 c.3076C>T (p.Arg1026X) results in a premature termination codon, predicted to cause a truncation of the encoded protein or absence of the protein due to nonsense mediated decay, which are commonly known mechanisms for disease. The variant was absent in 251366 control chromosomes. c.3076C>T has been reported in the literature in multiple individuals affected with Osteogenesis imperfecta type I (example: Hartikka_2004, Ries_2000, Ries-Levavi_2004). These data indicate that the variant is very likely to be associated with disease. At least one publication reports experimental evidence evaluating an impact on protein function. Specifically, it was demonstrated that the variant resulted in a significant reduction in COL1A1 mRNA production (example: Kaneto_2014). The following publications have been ascertained in the context of this evaluation (PMID: 15241796, 24767406, 15024745, 11113887). ClinVar contains an entry for this variant (Variation ID: 35920). Based on the evidence outlined above, the variant was classified as pathogenic.

GeneDx
Classification: Pathogenic. Last evaluated: 2024-12-26. Review status: criteria provided, single submitter. Criteria: GeneDx Variant Classification Process June 2021. Collection method: clinical testing. Allele origin: germline. Affected: yes.
Comment: Nonsense variant predicted to result in protein truncation or nonsense mediated decay in a gene for which loss of function is a known mechanism of disease; Not observed at significant frequency in large population cohorts (gnomAD); This variant is associated with the following publications: (PMID: 26627451, 36709916, 37079061, 37334733, 37270749, 35909573, 34902613, 36951356, 29499418, 28396251, 15024745, 17392686, 23682531, 27044453, 22753364, 24767406, 15241796, 31447884, 30692697, 30715774, 32770541, 34358384, 32166892, 37810882, 38807347, 11113887, 21667357)

Revvity Omics, Revvity
Classification: Pathogenic. Last evaluated: 2024-02-13. Review status: criteria provided, single submitter. Criteria: ACMG Guidelines, 2015. Collection method: clinical testing. Allele origin: germline.

CeGaT Center for Human Genetics Tuebingen
Classification: Pathogenic. Last evaluated: 2023-10-01. Review status: criteria provided, single submitter. Criteria: CeGaT Center For Human Genetics Tuebingen Variant Classification Criteria Version 2. Collection method: clinical testing. Allele origin: germline. Affected: yes. Observed: 2 variant alleles.
Comment: COL1A1: PVS1, PM2, PS4:Moderate

Blueprint Genetics
Classification: Pathogenic for COL1A1-related disorders. Last evaluated: 2023-08-09. Review status: criteria provided, single submitter. Criteria: ACMG Guidelines, 2015. Collection method: clinical testing. Allele origin: germline. Affected: yes. Observed: 5 variant alleles.

Fulgent Genetics
Classification: Pathogenic for Infantile cortical hyperostosis; Ehlers-Danlos syndrome, arthrochalasia type; Osteogenesis imperfecta type I; Osteogenesis imperfecta, perinatal lethal; Osteogenesis imperfecta with normal sclerae, dominant form; Osteoporosis; Osteogenesis imperfecta type III; Combined osteogenesis imperfecta and Ehlers-Danlos syndrome 1. Last evaluated: 2022-05-05. Review status: criteria provided, single submitter. Criteria: ACMG Guidelines, 2015. Collection method: clinical testing. Allele origin: unknown.

ARUP Laboratories, Molecular Genetics and Genomics, ARUP Laboratories
Classification: Pathogenic. Last evaluated: 2022-03-21. Review status: criteria provided, single submitter. Criteria: ARUP Molecular Germline Variant Investigation Process 2021. Collection method: clinical testing. Allele origin: germline.
Comment: The COL1A1 c.3076C>T; p.Arg1026Ter variant (rs72653173), also known as p.Arg848Ter, is reported in the literature in multiple individuals and families affected with osteogenesis imperfecta type1 (Duan 2016, Ries 2000, Ries-Levavi 2004). This variant is reported in ClinVar (Variation ID: 35920) and is absent from the Genome Aggregation Database, indicating it is not a common polymorphism. This variant induces an early termination codon and is predicted to result in a truncated protein or mRNA subject to nonsense-mediated decay. Based on available information, this variant is considered to be pathogenic. References: Duan H et al. Identification of two recurrent mutations of COL1A1 gene in Chinese Van der Hoeve syndrome patients. Acta Otolaryngol. 2016 Aug;136(8):786-91. PMID: 27044453. Ries L et al. Prenatal diagnosis of a novel COL1A1 mutation in osteogenesis imperfecta type I carried through full term pregnancy. Prenat Diagn. 2000 Nov;20(11):876-80. PMID: 11113887. Ries-Levavi L et al. Genetic and biochemical analyses of Israeli osteogenesis imperfecta patients. Hum Mutat. 2004 Apr;23(4):399-400. PMID: 15024745.

Kariminejad - Najmabadi Pathology & Genetics Center
Classification: Pathogenic for Abnormality of the skeletal system. Last evaluated: 2021-07-10. Review status: criteria provided, single submitter. Criteria: ACMG Guidelines, 2015. Collection method: clinical testing. Allele origin: germline. Affected: yes.

NM_000088.4(COL1A1):c.3076C>T (p.Arg1026Ter)

Gene: COL1A1 (collagen type I alpha 1 chain; minus strand). Cytogenetic location: 17q21.33.
Variant type: single nucleotide variant.
Coding change: c.3076C>T on transcript NM_000088.4 (MANE Select); coding-DNA position 3076, C replaced by T.
Protein change: p.Arg1026Ter; replaces arginine 1026 with a stop codon.
Molecular consequence: nonsense.
Genome position (GRCh38, 1-based): chr17:50,188,765, G>A on the plus strand (C>T on the coding strand, the complement: COL1A1 is on the minus strand). VCF-style: chr17-50188765-G-A. GRCh37 (hg19) VCF-style: chr17-48266126-G-A.
Other names: short protein forms R1026*.
Identifiers: ClinVar variation 35920 (VCV000035920.88), dbSNP rs72653173, ClinGen allele CA260309.